The following is an entry in ClinVar:

ClinVar aggregate classification (germline): Likely benign. Review status: criteria provided, single submitter (1 of 4 stars). 2 submissions from 2 submitters: Likely benign (1). 1 of the submissions does not count toward it. Last evaluated 2022-12-01.

Conditions:
PTPRU-related disorder. Also called: PTPRU-related condition.

Allele frequency attached by ClinVar (database versions not stated): 1000 Genomes Project 30x 0.00016; 1000 Genomes Project 0.00020; gnomAD 0.00175; TOPMed 0.00192; ESP Exome Variant Server 0.00200; ExAC 0.00226.
gnomAD v4.1: 4,946 of 1,614,232 alleles (0.31%); highest among the groups gnomAD compares: Non-Finnish European, 0.39%; 9 homozygotes.

Submissions (2):

CeGaT Center for Human Genetics Tuebingen
Classification: Likely benign. Last evaluated: 2022-12-01. Review status: criteria provided, single submitter. Criteria: CeGaT Center For Human Genetics Tuebingen Variant Classification Criteria Version 2. Collection method: clinical testing. Allele origin: germline. Affected: yes. Observed: 1 variant allele.
Comment: PTPRU: BP4, BP7

PreventionGenetics, part of Exact Sciences
Classification: Likely benign for PTPRU-related condition. Last evaluated: 2019-08-26. Review status: no assertion criteria provided. Collection method: clinical testing. Allele origin: germline. Not counted in ClinVar's aggregate classification.
Comment: This variant is classified as likely benign based on ACMG/AMP sequence variant interpretation guidelines (Richards et al. 2015 PMID: 25741868, with internal and published modifications).

NM_133178.4(PTPRU):c.4149C>T (p.Cys1383=)

Genes: PTPRU (protein tyrosine phosphatase receptor type U; plus strand), LOC122056818 (Sharpr-MPRA regulatory region 8387; plus strand). Cytogenetic location: 1p35.3.
Variant type: single nucleotide variant.
Coding change: c.4149C>T on transcript NM_133178.4 (MANE Select); coding-DNA position 4149, C replaced by T.
Protein change: p.Cys1383=; no amino-acid change (cysteine 1383 retained).
Molecular consequence: synonymous variant.
Genome position (GRCh38, 1-based): chr1:29,325,227, C>T. VCF-style: chr1-29325227-C-T. GRCh37 (hg19) VCF-style: chr1-29651739-C-T.
Other names: c.4140C>T, p.Cys1380= (NM_001195001.2); c.4179C>T, p.Cys1393= (NM_005704.5); c.4161C>T, p.Cys1387= (NM_133177.4); c.4179C>T (NM_005704.4).
Identifiers: ClinVar variation 2638591 (VCV002638591.25), dbSNP rs139467328, ClinGen allele CA727386.